The following is an entry in ClinVar:

NM_001101426.4(CRPPA):c.789+89A>G

Gene: CRPPA (CDP-L-ribitol pyrophosphorylase A; minus strand). Cytogenetic location: 7p21.2.
Variant type: single nucleotide variant.
Coding change: c.789+89A>G on transcript NM_001101426.4 (MANE Select); 89 bases into the intron after coding-DNA position 789, A replaced by G.
Molecular consequence: intron variant.
Genome position (GRCh38, 1-based): chr7:16,308,434, T>C on the plus strand (A>G on the coding strand, the complement: CRPPA is on the minus strand). VCF-style: chr7-16308434-T-C. GRCh37 (hg19) VCF-style: chr7-16348059-T-C.
Other names: c.639+89A>G (NM_001101417.4); c.685-6968A>G (NM_001368197.1).
Identifiers: ClinVar variation 681994 (VCV000681994.10), dbSNP rs62441885, ClinGen allele CA12458031.

ClinVar aggregate classification (germline): Benign. Review status: criteria provided, multiple submitters, no conflicts (2 of 4 stars). 2 submissions from 2 submitters: Benign (2). Last evaluated 2026-02-04.

Conditions:
Muscular dystrophy-dystroglycanopathy (congenital with brain and eye anomalies), type A, 7. Also called: WALKER-WARBURG SYNDROME OR MUSCLE-EYE-BRAIN DISEASE, ISPD-RELATED; Congenital muscular dystrophy-dystroglycanopathy with brain and eye anomalies, type A7. Identifiers: Orphanet 899, MedGen C3553330, MONDO:0013835, OMIM 614643.
Autosomal recessive limb-girdle muscular dystrophy type 2U. Also called: Muscular dystrophy-dystroglycanopathy (limb-girdle), type c, 7; MUSCULAR DYSTROPHY, LIMB-GIRDLE, TYPE 2U. Identifiers: Orphanet 352479, MedGen C5190987, MONDO:0014474, OMIM 616052.

Allele frequency attached by ClinVar (database versions not stated): gnomAD exomes 0.44781; 1000 Genomes Project 0.49740; gnomAD 0.49864 and 0.50511; 1000 Genomes Project 30x 0.50406; TOPMed 0.51212.
gnomAD v4.1: 330,845 of 720,436 alleles (46%); highest among the groups gnomAD compares: African/African-American, 61%; 77,757 homozygotes.

Submissions (2):

Labcorp Genetics (formerly Invitae), Labcorp
Classification: Benign for Muscular dystrophy-dystroglycanopathy (congenital with brain and eye anomalies), type A, 7; Autosomal recessive limb-girdle muscular dystrophy type 2U. Last evaluated: 2026-02-04. Review status: criteria provided, single submitter. Criteria: Invitae Variant Classification Sherloc (09022015). Collection method: clinical testing. Allele origin: germline.

GeneDx
Classification: Benign. Last evaluated: 2018-06-14. Review status: criteria provided, single submitter. Criteria: GeneDx Variant Classification (06012015). Collection method: clinical testing. Allele origin: germline. Affected: yes.
Comment: This variant is considered likely benign or benign based on one or more of the following criteria: it is a conservative change, it occurs at a poorly conserved position in the protein, it is predicted to be benign by multiple in silico algorithms, and/or has population frequency not consistent with disease.